The following is an entry in ClinVar:

NM_000038.6(APC):c.7477C>G (p.Leu2493Val)

Gene: APC (APC regulator of Wnt signaling pathway; plus strand). Cytogenetic location: 5q22.2.
Variant type: single nucleotide variant.
Coding change: c.7477C>G on transcript NM_000038.6 (MANE Select); coding-DNA position 7477, C replaced by G.
Protein change: p.Leu2493Val; replaces leucine 2493 with valine.
Molecular consequence: missense variant.
Genome position (GRCh38, 1-based): chr5:112,843,071, C>G. VCF-style: chr5-112843071-C-G. GRCh37 (hg19) VCF-style: chr5-112178768-C-G.
Other names: c.7393C>G, p.Leu2465Val (NM_001354899.2); c.7354C>G, p.Leu2452Val (NM_001354900.2); c.7300C>G, p.Leu2434Val (NM_001354901.2); c.7204C>G, p.Leu2402Val (NM_001354902.2); c.7174C>G, p.Leu2392Val (NM_001354903.2); c.7099C>G, p.Leu2367Val (NM_001354904.2); c.6997C>G, p.Leu2333Val (NM_001354905.2); c.7477C>G, p.Leu2493Val (NM_001127510.3, NM_001354895.2); and 5 more; short protein forms L2402V, L2434V, L2475V, L2333V, L2452V, L2511V, L2367V, L2465V.
Identifiers: ClinVar variation 1470437 (VCV001470437.8), dbSNP rs2149987883, ClinGen allele CA16037597.
Genomic context (GRCh38, chr5:112,843,071, plus strand): 5'-TCTCCCACTAGGTCCCAGGCACAAACTCCAGTTTTAAGTCCTTCCCTTCCTGATATGTCT[C>G]TATCCACACATTCGTCTGTTCAGGCTGGTGGATGGCGAAAACTCCCACCTAATCTCAGTC-3'
Protein context (NP_000029.2, residues 2483-2503): VLSPSLPDMS[Leu2493Val]STHSSVQAGG

ClinVar aggregate classification (germline): Uncertain significance. Review status: criteria provided, multiple submitters, no conflicts (2 of 4 stars). 2 submissions from 2 submitters: Uncertain significance (2). Last evaluated 2023-12-18.

Conditions:
Hereditary cancer-predisposing syndrome. Also called: Tumor predisposition; Hereditary Cancer Syndrome; Hereditary neoplastic syndrome; Neoplastic Syndromes, Hereditary. Identifiers: Orphanet 140162, MedGen C0027672, MeSH D009386, MONDO:0015356.
Familial adenomatous polyposis 1 (FAP1). Also called: FAMILIAL ADENOMATOUS POLYPOSIS 1, ATTENUATED; POLYPOSIS, ADENOMATOUS INTESTINAL. Identifiers: MedGen C2713442, MONDO:0021056, OMIM 175100. Disease mechanism: loss of function.

Submissions (2):

Labcorp Genetics (formerly Invitae), Labcorp
Classification: Uncertain significance for Familial adenomatous polyposis 1. Last evaluated: 2023-12-18. Review status: criteria provided, single submitter. Criteria: Invitae Variant Classification Sherloc (09022015). Collection method: clinical testing. Allele origin: germline.
Comment: This sequence change replaces leucine, which is neutral and non-polar, with valine, which is neutral and non-polar, at codon 2493 of the APC protein (p.Leu2493Val). This variant is not present in population databases (gnomAD no frequency). This variant has not been reported in the literature in individuals affected with APC-related conditions. ClinVar contains an entry for this variant (Variation ID: 1470437). Advanced modeling of protein sequence and biophysical properties (such as structural, functional, and spatial information, amino acid conservation, physicochemical variation, residue mobility, and thermodynamic stability) performed at Invitae indicates that this missense variant is not expected to disrupt APC protein function with a negative predictive value of 95%. In summary, the available evidence is currently insufficient to determine the role of this variant in disease. Therefore, it has been classified as a Variant of Uncertain Significance.

Ambry Genetics
Classification: Uncertain significance for Hereditary cancer-predisposing syndrome. Last evaluated: 2021-12-20. Review status: criteria provided, single submitter. Criteria: Ambry Variant Classification Scheme 2023. Collection method: clinical testing. Allele origin: germline.
Comment: The p.L2493V variant (also known as c.7477C>G), located in coding exon 15 of the APC gene, results from a C to G substitution at nucleotide position 7477. The leucine at codon 2493 is replaced by valine, an amino acid with highly similar properties. This amino acid position is highly conserved in available vertebrate species. In addition, in silico predictors for this gene do not accurately predict pathogenicity. Since supporting evidence is limited at this time, the clinical significance of this alteration remains unclear.